The following is an entry in ClinVar:

NM_001080449.3(DNA2):c.1310A>C (p.His437Pro)

Gene: DNA2 (DNA replication helicase/nuclease 2; minus strand). Cytogenetic location: 10q21.3.
Variant type: single nucleotide variant.
Coding change: c.1310A>C on transcript NM_001080449.3 (MANE Select); coding-DNA position 1310, A replaced by C.
Protein change: p.His437Pro; replaces histidine 437 with proline.
Molecular consequence: missense variant. On other transcripts: non-coding transcript variant (1).
Genome position (GRCh38, 1-based): chr10:68,443,022, T>G on the plus strand (A>C on the coding strand, the complement: DNA2 is on the minus strand). VCF-style: chr10-68443022-T-G. GRCh37 (hg19) VCF-style: chr10-70202779-T-G.
Other names: short protein forms H437P.
Identifiers: ClinVar variation 2808786 (VCV002808786.3), dbSNP rs1306710455, ClinGen allele CA376861989.

ClinVar aggregate classification (germline): Uncertain significance (1 of 4 stars; one submission).

Submission:

Labcorp Genetics (formerly Invitae), Labcorp
Classification: Uncertain significance. Last evaluated: 2023-08-01. Review status: criteria provided, single submitter. Criteria: Invitae Variant Classification Sherloc (09022015). Collection method: clinical testing. Allele origin: germline.
Comment: In summary, the available evidence is currently insufficient to determine the role of this variant in disease. Therefore, it has been classified as a Variant of Uncertain Significance. Advanced modeling of protein sequence and biophysical properties (such as structural, functional, and spatial information, amino acid conservation, physicochemical variation, residue mobility, and thermodynamic stability) performed at Invitae indicates that this missense variant is expected to disrupt DNA2 protein function. This variant has not been reported in the literature in individuals affected with DNA2-related conditions. This variant is not present in population databases (gnomAD no frequency). This sequence change replaces histidine, which is basic and polar, with proline, which is neutral and non-polar, at codon 437 of the DNA2 protein (p.His437Pro).